The following is an entry in ClinVar:

ClinVar aggregate classification (germline): Uncertain significance (1 of 4 stars; one submission).

Allele frequency attached by ClinVar (database versions not stated): gnomAD exomes below 0.00001; TOPMed 0.00001.
gnomAD v4.1: 1 of 1,524,314 alleles (0.000066%); highest among the groups gnomAD compares: Admixed American, 0.0021%; no homozygotes.

Submission:

Labcorp Genetics (formerly Invitae), Labcorp
Classification: Uncertain significance. Last evaluated: 2022-08-23. Review status: criteria provided, single submitter. Criteria: Invitae Variant Classification Sherloc (09022015). Collection method: clinical testing. Allele origin: germline.
Comment: This sequence change affects codon 611 of the COL18A1 mRNA. It is a 'silent' change, meaning that it does not change the encoded amino acid sequence of the COL18A1 protein. It affects a nucleotide within the consensus splice site. The frequency data for this variant in the population databases is considered unreliable, as metrics indicate poor data quality at this position in the gnomAD database. This variant has not been reported in the literature in individuals affected with COL18A1-related conditions. ClinVar contains an entry for this variant (Variation ID: 1364272). Experimental studies and prediction algorithms are not available or were not evaluated, and the effect of this variant on mRNA splicing is currently unknown. In summary, the available evidence is currently insufficient to determine the role of this variant in disease. Therefore, it has been classified as a Variant of Uncertain Significance.

NM_001379500.1(COL18A1):c.1833T>C (p.Phe611=)

Gene: COL18A1 (collagen type XVIII alpha 1 chain; plus strand). Cytogenetic location: 21q22.3.
Variant type: single nucleotide variant.
Coding change: c.1833T>C on transcript NM_001379500.1 (MANE Select); coding-DNA position 1833, T replaced by C.
Protein change: p.Phe611=; no amino-acid change (phenylalanine 611 retained).
Molecular consequence: synonymous variant.
Genome position (GRCh38, 1-based): chr21:45,486,992, T>C. VCF-style: chr21-45486992-T-C. GRCh37 (hg19) VCF-style: chr21-46906906-T-C.
Other names: c.2373T>C, p.Phe791= (NM_030582.4); c.3078T>C, p.Phe1026= (NM_130444.3).
Identifiers: ClinVar variation 1364272 (VCV001364272.6), dbSNP rs1020274118, ClinGen allele CA321918479.